The following is an entry in ClinVar:

NM_000168.6(GLI3):c.3092A>G (p.Asn1031Ser)

Gene: GLI3 (GLI family zinc finger 3; minus strand). Cytogenetic location: 7p14.1.
Variant type: single nucleotide variant.
Coding change: c.3092A>G on transcript NM_000168.6 (MANE Select); coding-DNA position 3092, A replaced by G.
Protein change: p.Asn1031Ser; replaces asparagine 1031 with serine.
Molecular consequence: missense variant.
Genome position (GRCh38, 1-based): chr7:41,965,981, T>C on the plus strand (A>G on the coding strand, the complement: GLI3 is on the minus strand). VCF-style: chr7-41965981-T-C. GRCh37 (hg19) VCF-style: chr7-42005579-T-C.
Other names: c.3092A>G (NM_000168.5); short protein forms N1031S.
Identifiers: ClinVar variation 2198979 (VCV002198979.6), dbSNP rs375291254, ClinGen allele CA156904732.
Genomic context (GRCh38, chr7:41,965,981, plus strand): 5'-CGCGTGTAATTCTGAAGCACGAGACTGCGCTTCTCCGCGGACGTGGCCATCGCCGGGGGG[T>C]TGCAGCTGCTGAGGCTGCTGAAGCGCGGCACACGAGGCAGGGCCAGGCCCTCGGAGCCTG-3'
Protein context (NP_000159.3, residues 1021-1041): VPRFSSLSSC[Asn1031Ser]PPAMATSAEK

ClinVar aggregate classification (germline): Conflicting classifications of pathogenicity. Review status: criteria provided, conflicting classifications (1 of 4 stars). 3 submissions from 3 submitters: Uncertain significance (2); Likely benign (1). Last evaluated 2025-05-25.

Conditions:
GLI3-related disorder. Also called: GLI3-related condition; GLI3-related disorders. Identifiers: MedGen CN239292.
Inborn genetic diseases. Identifiers: MedGen C0950123, MeSH D030342.
Greig cephalopolysyndactyly syndrome (GCPS). Also called: POLYSYNDACTYLY WITH PECULIAR SKULL SHAPE; GLI3-Related Greig Cephalopolysyndactyly Syndrome; Greig syndrome. Identifiers: Orphanet 380, MedGen C0265306, MONDO:0008287, OMIM 175700.
Pallister-Hall syndrome (PHS). Also called: HYPOTHALAMIC HAMARTOBLASTOMA, HYPOPITUITARISM, IMPERFORATE ANUS, AND POSTAXIAL POLYDACTYLY; GLI3-Related Pallister-Hall Syndrome. Identifiers: Orphanet 672, MedGen C0265220, MONDO:0007804, OMIM 146510.

Allele frequency attached by ClinVar (database versions not stated): gnomAD 0.00001; gnomAD exomes 0.00001; TOPMed 0.00001.
gnomAD v4.1: 12 of 1,606,052 alleles (0.00075%); highest among the groups gnomAD compares: East Asian, 0.0045%; no homozygotes.

Submissions (3):

Ambry Genetics
Classification: Uncertain significance for Inborn genetic diseases. Last evaluated: 2025-05-25. Review status: criteria provided, single submitter. Criteria: Ambry Variant Classification Scheme 2023. Collection method: clinical testing. Allele origin: germline.

PreventionGenetics, part of Exact Sciences
Classification: Uncertain significance for GLI3-related condition. Last evaluated: 2023-03-17. Review status: criteria provided, single submitter. Criteria: ACMG Guidelines, 2015. Collection method: clinical testing. Allele origin: germline.
Comment: The GLI3 c.3092A>G variant is predicted to result in the amino acid substitution p.Asn1031Ser. To our knowledge, this variant has not been reported in the literature. This variant is reported in 0.010% of alleles in individuals of East Asian descent in gnomAD. At this time, the clinical significance of this variant is uncertain due to the absence of conclusive functional and genetic evidence.

Labcorp Genetics (formerly Invitae), Labcorp
Classification: Likely benign for Pallister-Hall syndrome; Greig cephalopolysyndactyly syndrome. Last evaluated: 2022-09-28. Review status: criteria provided, single submitter. Criteria: Invitae Variant Classification Sherloc (09022015). Collection method: clinical testing. Allele origin: germline.